The following is an entry in ClinVar:

ClinVar aggregate classification (germline): Uncertain significance. Review status: criteria provided, multiple submitters, no conflicts (2 of 4 stars). 2 submissions from 2 submitters: Uncertain significance (2). Last evaluated 2025-04-20.

Conditions:
Cardiovascular phenotype. Identifiers: MedGen CN230736.
Brugada syndrome. Also called: Sudden Unexplained Nocturnal Death Syndrome (SUNDS); Sudden Unexplained Death Syndrome; Sudden unexplained nocturnal death syndrome; Sudden unexpected nocturnal death syndrome. Identifiers: Orphanet 130, MedGen C1142166, MONDO:0015263.

gnomAD v4.1: 14 of 1,614,034 alleles (0.00087%); highest among the groups gnomAD compares: African/African-American, 0.016%; no homozygotes.

Submissions (2):

Ambry Genetics
Classification: Uncertain significance for Cardiovascular phenotype. Last evaluated: 2025-04-20. Review status: criteria provided, single submitter. Criteria: Ambry Variant Classification Scheme 2023. Collection method: clinical testing. Allele origin: germline.
Comment: The p.E181G variant (also known as c.542A>G), located in coding exon 4 of the SCN10A gene, results from an A to G substitution at nucleotide position 542. The glutamic acid at codon 181 is replaced by glycine, an amino acid with similar properties. This amino acid position is not well conserved in available vertebrate species. In addition, the in silico prediction for this alteration is inconclusive. The evidence for this gene-disease relationship is limited; therefore, the clinical significance of this alteration is unclear.

Labcorp Genetics (formerly Invitae), Labcorp
Classification: Uncertain significance for Brugada syndrome. Last evaluated: 2024-10-27. Review status: criteria provided, single submitter. Criteria: Invitae Variant Classification Sherloc (09022015). Collection method: clinical testing. Allele origin: germline.
Comment: This sequence change replaces glutamic acid, which is acidic and polar, with glycine, which is neutral and non-polar, at codon 181 of the SCN10A protein (p.Glu181Gly). This variant is present in population databases (rs142203439, gnomAD 0.01%). This variant has not been reported in the literature in individuals affected with SCN10A-related conditions. ClinVar contains an entry for this variant (Variation ID: 2497143). Invitae Evidence Modeling of protein sequence and biophysical properties (such as structural, functional, and spatial information, amino acid conservation, physicochemical variation, residue mobility, and thermodynamic stability) indicates that this missense variant is not expected to disrupt SCN10A protein function with a negative predictive value of 80%. In summary, the available evidence is currently insufficient to determine the role of this variant in disease. Therefore, it has been classified as a Variant of Uncertain Significance.

NM_006514.4(SCN10A):c.542A>G (p.Glu181Gly)

Gene: SCN10A (sodium voltage-gated channel alpha subunit 10; minus strand). Cytogenetic location: 3p22.2.
Variant type: single nucleotide variant.
Coding change: c.542A>G on transcript NM_006514.4 (MANE Select); coding-DNA position 542, A replaced by G.
Protein change: p.Glu181Gly; replaces glutamic acid 181 with glycine.
Molecular consequence: missense variant.
Genome position (GRCh38, 1-based): chr3:38,771,336, T>C on the plus strand (A>G on the coding strand, the complement: SCN10A is on the minus strand). VCF-style: chr3-38771336-T-C. GRCh37 (hg19) VCF-style: chr3-38812827-T-C.
Other names: c.542A>G, p.Glu181Gly (NM_001293306.2, NM_001293307.2); short protein forms E181G.
Identifiers: ClinVar variation 2497143 (VCV002497143.6), dbSNP rs142203439, ClinGen allele CA2321171.
Genomic context (GRCh38, chr3:38,771,336, plus strand): 5'-CACGCCAGGGTAATGACGCTAAAATCCAGCCAGTTCCAAGGATCTCTCAGGTACGTGAAC[T>C]CATTTAGACAAAATCCTCTTGCCAGTATCTTTATCAAGGCTTCAAAGGTGTAAATGACAG-3'
Protein context (NP_006505.4, residues 171-191): KILARGFCLN[Glu181Gly]FTYLRDPWNW